The following is an entry in ClinVar:

NC_000022.11:g.40345870T>G

Gene: ADSL (adenylosuccinate lyase; plus strand). Cytogenetic location: 22q13.1.
Variant type: single nucleotide variant.
Genome position: GRCh38 VCF-style: chr22-40345870-T-G. GRCh37 (hg19) VCF-style: chr22-40741874-T-G.
Identifiers: ClinVar variation 4773440 (VCV004773440.1).
Genomic context (GRCh38, chr22:40,345,870, plus strand): 5'-TAGTAGAGACAGGGTTTCACGTGTTGCCCAGGCTGGTCTCAAACTCCTAAGCTCAGGAAA[T>G]CTGCCTGCCTCGACCTCCCGAAGTGCTGGGATTACAGGCGTAGGCCACCGCAGCCGGCTC-3'

ClinVar aggregate classification (germline): Uncertain significance (1 of 4 stars; one submission).

Conditions:
Adenylosuccinate lyase deficiency (ADSLD). Also called: ADSL DEFICIENCY. Identifiers: Orphanet 46, MedGen C0268126, MONDO:0007068, OMIM 103050.

Submission:

Labcorp Genetics (formerly Invitae), Labcorp
Classification: Uncertain significance for Adenylosuccinate lyase deficiency. Last evaluated: 2025-09-23. Review status: criteria provided, single submitter. Criteria: Invitae Variant Classification Sherloc (09022015). Collection method: clinical testing. Allele origin: germline.
Comment: This variant occurs in a non-coding region of the ADSL gene. It does not change the encoded amino acid sequence of the ADSL protein. This variant is not present in population databases (gnomAD no frequency). This variant has not been reported in the literature in individuals affected with ADSL-related conditions. Experimental studies and prediction algorithms are not available or were not evaluated, and the functional significance of this variant is currently unknown. In summary, the available evidence is currently insufficient to determine the role of this variant in disease. Therefore, it has been classified as a Variant of Uncertain Significance.